The following is an entry in ClinVar:

NM_001079866.2(BCS1L):c.1007+16G>A

Gene: BCS1L (BCS1 ubiquinol-cytochrome c reductase complex chaperone; plus strand). Cytogenetic location: 2q35.
Variant type: single nucleotide variant.
Coding change: c.1007+16G>A on transcript NM_001079866.2 (MANE Select); 16 bases into the intron after coding-DNA position 1007, G replaced by A.
Molecular consequence: intron variant.
Genome position (GRCh38, 1-based): chr2:218,663,016, G>A. VCF-style: chr2-218663016-G-A. GRCh37 (hg19) VCF-style: chr2-219527739-G-A.
Other names: c.1007+16G>A (NM_001374085.1, NM_001371446.1, NM_001371450.1 and 10 more transcripts); c.506+16G>A (NM_001374086.1, NM_001371454.1, NM_001371453.1 and 3 more transcripts); c.647+16G>A (NM_001371451.1, NM_001318836.2).
Identifiers: ClinVar variation 136504 (VCV000136504.10), dbSNP rs115594405, ClinGen allele CA289676.

ClinVar aggregate classification (germline): Benign/Likely benign. Review status: criteria provided, multiple submitters, no conflicts (2 of 4 stars). 3 submissions from 3 submitters: Benign (2); Likely benign (1). Last evaluated 2026-01-31.

Conditions:
Mitochondrial complex III deficiency nuclear type 1. Identifiers: Orphanet 254902, MedGen C3541471, MONDO:0007415, OMIM 124000.
GRACILE syndrome (FLNMS). Also called: FELLMAN SYNDROME; FINNISH LETHAL NEONATAL METABOLIC SYNDROME. Identifiers: Orphanet 53693, MedGen C1864002, MONDO:0011308, OMIM 603358.
Pili torti-deafness syndrome (BJS). Also called: Bjornstad syndrome; PILI TORTI AND NERVE DEAFNESS. Identifiers: Orphanet 123, MedGen C0266006, MONDO:0009872, OMIM 262000.

Allele frequency attached by ClinVar (database versions not stated): gnomAD exomes 0.00111 and 0.00329; ExAC 0.00396; gnomAD 0.01241 and 0.01345; 1000 Genomes Project 0.01318; ESP Exome Variant Server 0.01353; TOPMed 0.01418; 1000 Genomes Project 30x 0.01437.
gnomAD v4.1: 3,597 of 1,613,934 alleles (0.22%); highest among the groups gnomAD compares: African/African-American, 4.2%; 70 homozygotes.

Submissions (3):

Labcorp Genetics (formerly Invitae), Labcorp
Classification: Benign. Last evaluated: 2026-01-31. Review status: criteria provided, single submitter. Criteria: Invitae Variant Classification Sherloc (09022015). Collection method: clinical testing. Allele origin: germline.

Fulgent Genetics
Classification: Likely benign for Mitochondrial complex III deficiency nuclear type 1; Pili torti-deafness syndrome; GRACILE syndrome. Last evaluated: 2021-10-01. Review status: criteria provided, single submitter. Criteria: ACMG Guidelines, 2015. Collection method: clinical testing. Allele origin: unknown.

GeneDx
Classification: Benign. Last evaluated: 2011-07-11. Review status: criteria provided, single submitter. Criteria: GeneDx Variant Classification (06012015). Collection method: clinical testing. Allele origin: germline. Affected: yes.
Comment: This variant is considered likely benign or benign based on one or more of the following criteria: it is a conservative change, it occurs at a poorly conserved position in the protein, it is predicted to be benign by multiple in silico algorithms, and/or has population frequency not consistent with disease.